The following is an entry in ClinVar:

ClinVar aggregate classification (germline): Uncertain significance (1 of 4 stars; one submission).

Conditions:
Primary dilated cardiomyopathy (DCM). Also called: Dilated Cardiomyopathy. Identifiers: Orphanet 217604, MedGen C0007193, MeSH D002311, MONDO:0005021, HP:0001644. Inheritance: Various modes of inheritance.
Hypertrophic cardiomyopathy. Also called: HYPERTROPHIC MYOCARDIOPATHY. Identifiers: Orphanet 217569, MedGen C0007194, MeSH D002312, MONDO:0005045, HP:0001639.

Submission:

Labcorp Genetics (formerly Invitae), Labcorp
Classification: Uncertain significance for Hypertrophic cardiomyopathy; Primary dilated cardiomyopathy. Last evaluated: 2018-10-05. Review status: criteria provided, single submitter. Criteria: Invitae Variant Classification Sherloc (09022015). Collection method: clinical testing. Allele origin: germline.
Comment: In summary, this variant is a gross deletion of the last four residues of exon 5 to exon 8. However the impact of this deletion on PDLIM3 protein function has not been established. Therefore, it has been classified as a Variant of Unknown Significance. This variant has not been reported in the literature in individuals with a PDLIM3-related disease. This variant is a gross deletion of the genomic region encompassing the last four residues of exon 5 to exon 8 of the PDLIM3 gene. The 5' boundary is confined to nucleotide c.653. The 3' end of this event is unknown as it extends through the termination codon beyond the assayed region for this gene and may encompass additional genes. While this deletion is not anticipated to result in nonsense mediated decay, it is expected to create a truncated PDLIM3 protein.

NC_000004.12:g.(?_185502274)_(185506672_?)del

Gene: PDLIM3 (PDZ and LIM domain 3; minus strand). Cytogenetic location: 4q35.1.
Variant type: Deletion.
Identifiers: ClinVar variation 639882 (VCV000639882.3).